The following is an entry in ClinVar:

NM_021831.6(AGBL5):c.2116C>A (p.Gln706Lys)

Gene: AGBL5 (AGBL carboxypeptidase 5; plus strand). Cytogenetic location: 2p23.3.
Variant type: single nucleotide variant.
Coding change: c.2116C>A on transcript NM_021831.6 (MANE Select); coding-DNA position 2116, C replaced by A.
Protein change: p.Gln706Lys; replaces glutamine 706 with lysine.
Molecular consequence: missense variant. On other transcripts: non-coding transcript variant (2).
Genome position (GRCh38, 1-based): chr2:27,067,520, C>A. VCF-style: chr2-27067520-C-A. GRCh37 (hg19) VCF-style: chr2-27290388-C-A.
Other names: c.2116C>A, p.Gln706Lys (NM_001035506.1); short protein forms Q706K.
Identifiers: ClinVar variation 1976589 (VCV001976589.5), dbSNP rs2465544693, ClinGen allele CA346140715.

ClinVar aggregate classification (germline): Uncertain significance (1 of 4 stars; one submission).

Submission:

Labcorp Genetics (formerly Invitae), Labcorp
Classification: Uncertain significance. Last evaluated: 2024-02-17. Review status: criteria provided, single submitter. Criteria: Invitae Variant Classification Sherloc (09022015). Collection method: clinical testing. Allele origin: germline.
Comment: This sequence change replaces glutamine, which is neutral and polar, with lysine, which is basic and polar, at codon 706 of the AGBL5 protein (p.Gln706Lys). This variant is not present in population databases (gnomAD no frequency). This variant has not been reported in the literature in individuals affected with AGBL5-related conditions. ClinVar contains an entry for this variant (Variation ID: 1976589). An algorithm developed to predict the effect of missense changes on protein structure and function (PolyPhen-2) suggests that this variant is likely to be tolerated. In summary, the available evidence is currently insufficient to determine the role of this variant in disease. Therefore, it has been classified as a Variant of Uncertain Significance.